The following is an entry in ClinVar:

ClinVar aggregate classification (germline): Uncertain significance. Review status: criteria provided, multiple submitters, no conflicts (2 of 4 stars). 2 submissions from 2 submitters: Uncertain significance (2). Last evaluated 2024-11-13.

Allele frequency attached by ClinVar (database versions not stated): gnomAD 0.00001; ExAC 0.00003; gnomAD exomes 0.00003 and 0.00004; TOPMed 0.00005.
gnomAD v4.1: 50 of 1,613,402 alleles (0.0031%); highest among the groups gnomAD compares: Admixed American, 0.017%; no homozygotes.

Submissions (2):

Ambry Genetics
Classification: Uncertain significance. Last evaluated: 2024-11-13. Review status: criteria provided, single submitter. Criteria: Ambry Variant Classification Scheme 2023. Collection method: clinical testing. Allele origin: germline.

Labcorp Genetics (formerly Invitae), Labcorp
Classification: Uncertain significance. Last evaluated: 2024-10-16. Review status: criteria provided, single submitter. Criteria: Invitae Variant Classification Sherloc (09022015). Collection method: clinical testing. Allele origin: germline.
Comment: This sequence change replaces valine, which is neutral and non-polar, with methionine, which is neutral and non-polar, at codon 25 of the A2ML1 protein (p.Val25Met). This variant is present in population databases (rs772906952, gnomAD 0.009%). This variant has not been reported in the literature in individuals affected with A2ML1-related conditions. ClinVar contains an entry for this variant (Variation ID: 1389581). An algorithm developed to predict the effect of missense changes on protein structure and function (PolyPhen-2) suggests that this variant is likely to be disruptive. In summary, the available evidence is currently insufficient to determine the role of this variant in disease. Therefore, it has been classified as a Variant of Uncertain Significance.

NM_144670.6(A2ML1):c.73G>A (p.Val25Met)

Genes: A2ML1 (alpha-2-macroglobulin like 1; plus strand), A2ML1-AS1 (A2ML1 antisense RNA 1; minus strand). Cytogenetic location: 12p13.31.
Variant type: single nucleotide variant.
Coding change: c.73G>A on transcript NM_144670.6 (MANE Select); coding-DNA position 73, G replaced by A.
Protein change: p.Val25Met; replaces valine 25 with methionine.
Molecular consequence: missense variant.
Genome position (GRCh38, 1-based): chr12:8,823,192, G>A. VCF-style: chr12-8823192-G-A. GRCh37 (hg19) VCF-style: chr12-8975788-G-A.
Other names: short protein forms V25M.
Identifiers: ClinVar variation 1389581 (VCV001389581.9), dbSNP rs772906952, ClinGen allele CA6435164.